The following is an entry in ClinVar:

NM_001375905.1(SGMS2):c.19G>C (p.Ala7Pro)

Genes: CYP2U1-AS1 (CYP2U1 and SGMS2 antisense RNA 1; minus strand), SGMS2 (sphingomyelin synthase 2; plus strand). Cytogenetic location: 4q25.
Variant type: single nucleotide variant.
Coding change: c.19G>C on transcript NM_001375905.1 (MANE Select); coding-DNA position 19, G replaced by C.
Protein change: p.Ala7Pro; replaces alanine 7 with proline.
Molecular consequence: missense variant. On other transcripts: intron variant (1).
Genome position (GRCh38, 1-based): chr4:107,895,572, G>C. VCF-style: chr4-107895572-G-C. GRCh37 (hg19) VCF-style: chr4-108816728-G-C.
Other names: c.19G>C (NM_152621.5); c.19G>C, p.Ala7Pro (NM_001136257.2, NM_001136258.2, NM_001375906.1 and 4 more transcripts); c.-64-4003G>C (NM_001375911.1); short protein forms A7P.
Identifiers: ClinVar variation 1973913 (VCV001973913.6), dbSNP rs769608601, ClinGen allele CA3036709.

ClinVar aggregate classification (germline): Uncertain significance. Review status: criteria provided, multiple submitters, no conflicts (2 of 4 stars). 2 submissions from 2 submitters: Uncertain significance (2). Last evaluated 2025-11-23.

Conditions:
Inborn genetic diseases. Identifiers: MedGen C0950123, MeSH D030342.

Allele frequency attached by ClinVar (database versions not stated): TOPMed 0.00001; gnomAD exomes 0.00002; ExAC 0.00002; gnomAD 0.00001.
gnomAD v4.1: 10 of 1,613,434 alleles (0.00062%); highest among the groups gnomAD compares: Admixed American, 0.017%; no homozygotes.

Submissions (2):

Labcorp Genetics (formerly Invitae), Labcorp
Classification: Uncertain significance. Last evaluated: 2025-11-23. Review status: criteria provided, single submitter. Criteria: Invitae Variant Classification Sherloc (09022015). Collection method: clinical testing. Allele origin: germline.
Comment: This sequence change replaces alanine, which is neutral and non-polar, with proline, which is neutral and non-polar, at codon 7 of the SGMS2 protein (p.Ala7Pro). This variant is present in population databases (rs769608601, gnomAD 0.02%). This variant has not been reported in the literature in individuals affected with SGMS2-related conditions. ClinVar contains an entry for this variant (Variation ID: 1973913). An algorithm developed to predict the effect of missense changes on protein structure and function (PolyPhen-2) suggests that this variant is likely to be tolerated. In summary, the available evidence is currently insufficient to determine the role of this variant in disease. Therefore, it has been classified as a Variant of Uncertain Significance.

Ambry Genetics
Classification: Uncertain significance for Inborn genetic diseases. Last evaluated: 2021-08-12. Review status: criteria provided, single submitter. Criteria: Ambry Variant Classification Scheme 2023. Collection method: clinical testing. Allele origin: germline.